The following is an entry in ClinVar:

ClinVar aggregate classification (germline): Uncertain significance (1 of 4 stars; one submission).

Conditions:
Developmental and epileptic encephalopathy, 42 (DEE42A). Also called: DEVELOPMENTAL AND EPILEPTIC ENCEPHALOPATHY 42A; EPILEPTIC ENCEPHALOPATHY, EARLY INFANTILE, 42A; Epileptic encephalopathy, early infantile, 42. Identifiers: MedGen C4310716, MONDO:0014917, OMIM 617106.
Episodic ataxia type 2 (EA2). Also called: ACETAZOLAMIDE-RESPONSIVE HEREDITARY PAROXYSMAL CEREBELLAR ATAXIA; ATAXIA, EPISODIC, WITH NYSTAGMUS; ATAXIA, FAMILIAL PAROXYSMAL; CEREBELLAR ATAXIA, PAROXYSMAL, ACETAZOLAMIDE-RESPONSIVE; CEREBELLOPATHY, HEREDITARY PAROXYSMAL; EPISODIC ATAXIA, NYSTAGMUS-ASSOCIATED. Identifiers: Orphanet 97, MedGen C1720416, MONDO:0007163, OMIM 108500.

Allele frequency attached by ClinVar (database versions not stated): gnomAD 0.00001; gnomAD exomes below 0.00001; TOPMed below 0.00001.
gnomAD v4.1: 2 of 1,612,772 alleles (0.00012%); highest among the groups gnomAD compares: Non-Finnish European, 0.00017%; no homozygotes.

Submission:

Labcorp Genetics (formerly Invitae), Labcorp
Classification: Uncertain significance for Developmental and epileptic encephalopathy, 42; Episodic ataxia type 2. Last evaluated: 2023-01-01. Review status: criteria provided, single submitter. Criteria: Invitae Variant Classification Sherloc (09022015). Collection method: clinical testing. Allele origin: germline.
Comment: In summary, the available evidence is currently insufficient to determine the role of this variant in disease. Therefore, it has been classified as a Variant of Uncertain Significance. Advanced modeling of protein sequence and biophysical properties (such as structural, functional, and spatial information, amino acid conservation, physicochemical variation, residue mobility, and thermodynamic stability) performed at Invitae indicates that this missense variant is not expected to disrupt CACNA1A protein function. This missense change has been observed in individual(s) with autosomal dominant CACNA1A-related conditions (Invitae). This variant is not present in population databases (gnomAD no frequency). This sequence change replaces serine, which is neutral and polar, with glycine, which is neutral and non-polar, at codon 839 of the CACNA1A protein (p.Ser839Gly).

NM_001127222.2(CACNA1A):c.2512A>G (p.Ser838Gly)

Gene: CACNA1A (calcium voltage-gated channel subunit alpha1 A; minus strand). Cytogenetic location: 19p13.13.
Variant type: single nucleotide variant.
Coding change: c.2512A>G on transcript NM_001127222.2 (MANE Select); coding-DNA position 2512, A replaced by G.
Protein change: p.Ser838Gly; replaces serine 838 with glycine.
Molecular consequence: missense variant.
Genome position (GRCh38, 1-based): chr19:13,299,121, T>C on the plus strand (A>G on the coding strand, the complement: CACNA1A is on the minus strand). VCF-style: chr19-13299121-T-C. GRCh37 (hg19) VCF-style: chr19-13409935-T-C.
Other names: c.2524A>G, p.Ser842Gly (NM_000068.4, NM_023035.3); c.2515A>G, p.Ser839Gly (NM_001127221.2, NM_001174080.2); short protein forms S842G, S838G, S839G.
Identifiers: ClinVar variation 2923126 (VCV002923126.3), dbSNP rs1222835349, ClinGen allele CA404343286.
Genomic context (GRCh38, chr19:13,299,121, plus strand): 5'-GGAAGTCCTCGGCGCGCTGCTGGCCGAGGCGCTGGTCCACGGTGGGCTCGGCCGCCCGGC[T>C]CTTGTTGGTGTTGTTGTTGCGGTTCTCCTGCGGGTCCACCACCAGCGGCCGGTCCAAGTG-3'
Protein context (NP_001120694.1, residues 828-848): QENRNNNTNK[Ser838Gly]RAAEPTVDQR